The following is an entry in ClinVar:

NM_002715.4(PPP2CA):c.486+1G>A

Gene: PPP2CA (protein phosphatase 2 catalytic subunit alpha; minus strand). Cytogenetic location: 5q31.1.
Variant type: single nucleotide variant.
Coding change: c.486+1G>A on transcript NM_002715.4 (MANE Select); the canonical splice donor site of the intron after coding-DNA position 486, G replaced by A.
Molecular consequence: splice donor variant.
Genome position (GRCh38, 1-based): chr5:134,201,847, C>T on the plus strand (G>A on the coding strand, the complement: PPP2CA is on the minus strand). VCF-style: chr5-134201847-C-T. GRCh37 (hg19) VCF-style: chr5-133537538-C-T.
Other names: c.291+1G>A (NM_001355019.2).
Identifiers: ClinVar variation 4729336 (VCV004729336.1).

ClinVar aggregate classification (germline): Likely pathogenic (1 of 4 stars; one submission).

Submission:

Labcorp Genetics (formerly Invitae), Labcorp
Classification: Likely pathogenic. Last evaluated: 2025-10-16. Review status: criteria provided, single submitter. Criteria: Invitae Variant Classification Sherloc (09022015). Collection method: clinical testing. Allele origin: germline.
Comment: This sequence change affects a donor splice site in intron 3 of the PPP2CA gene. It is expected to disrupt RNA splicing. Variants that disrupt the donor or acceptor splice site typically lead to a loss of protein function (PMID: 16199547), and loss-of-function variants in PPP2CA are known to be pathogenic (PMID: 30595372). This variant is not present in population databases (gnomAD no frequency). This variant has not been reported in the literature in individuals affected with PPP2CA-related conditions. Algorithms developed to predict the effect of sequence changes on RNA splicing suggest that this variant may disrupt the consensus splice site. In summary, the currently available evidence indicates that the variant is pathogenic, but additional data are needed to prove that conclusively. Therefore, this variant has been classified as Likely Pathogenic.

Literature cited by the submitters: PubMed 16199547; PubMed 30595372.